The following is an entry in ClinVar:

NM_025114.4(CEP290):c.853-2A>T

Gene: CEP290 (centrosomal protein 290; minus strand). Cytogenetic location: 12q21.32.
Variant type: single nucleotide variant.
Coding change: c.853-2A>T on transcript NM_025114.4 (MANE Select); the canonical splice acceptor site of the intron before coding-DNA position 853, A replaced by T.
Molecular consequence: splice acceptor variant.
Genome position (GRCh38, 1-based): chr12:88,129,037, T>A on the plus strand (A>T on the coding strand, the complement: CEP290 is on the minus strand). VCF-style: chr12-88129037-T-A. GRCh37 (hg19) VCF-style: chr12-88522814-T-A.
Identifiers: ClinVar variation 2414059 (VCV002414059.8), dbSNP rs2039902653, ClinGen allele CA385984096.

ClinVar aggregate classification (germline): Likely pathogenic (1 of 4 stars; one submission).

Conditions:
Joubert syndrome. Also called: CEREBELLOPARENCHYMAL DISORDER IV; JOUBERT-BOLTSHAUSER SYNDROME; Familial aplasia of the vermis. Identifiers: Orphanet 475, MedGen C5979921, MONDO:0018772.
Nephronophthisis. Also called: Juvenile Nephronophthisis. Identifiers: Orphanet 655, MedGen C0687120, MONDO:0019005, HP:0000090.
Meckel-Gruber syndrome. Also called: DYSENCEPHALIA SPLANCHNOCYSTICA; GRUBER SYNDROME; Dysencephalia splachnocystica. Identifiers: Orphanet 564, MedGen C0265215, MONDO:0018921.

Submission:

Labcorp Genetics (formerly Invitae), Labcorp
Classification: Likely pathogenic for Joubert syndrome; Meckel-Gruber syndrome; Nephronophthisis. Last evaluated: 2022-10-05. Review status: criteria provided, single submitter. Criteria: Invitae Variant Classification Sherloc (09022015). Collection method: clinical testing. Allele origin: germline.
Comment: This sequence change affects an acceptor splice site in intron 10 of the CEP290 gene. It is expected to disrupt RNA splicing. Variants that disrupt the donor or acceptor splice site typically lead to a loss of protein function (PMID: 16199547), and loss-of-function variants in CEP290 are known to be pathogenic (PMID: 16909394, 17345604, 20690115). This variant is not present in population databases (gnomAD no frequency). This variant has not been reported in the literature in individuals affected with CEP290-related conditions. Algorithms developed to predict the effect of sequence changes on RNA splicing suggest that this variant may disrupt the consensus splice site. In summary, the currently available evidence indicates that the variant is pathogenic, but additional data are needed to prove that conclusively. Therefore, this variant has been classified as Likely Pathogenic.

Literature cited by the submitters: PubMed 16199547; PubMed 16909394; PubMed 17345604; PubMed 20690115.